The following is an entry in ClinVar:

NC_000012.12:g.(?_51913089)_(51916243_?)del

Gene: ACVRL1 (activin A receptor like type 1; plus strand). Cytogenetic location: 12q13.13.
Variant type: Deletion.
Identifiers: ClinVar variation 831943 (VCV000831943.1).

ClinVar aggregate classification (germline): Pathogenic (1 of 4 stars; one submission).

Conditions:
Telangiectasia, hereditary hemorrhagic, type 2 (HHT2). Also called: ACVRL1-Related Hereditary Hemorrhagic Telangiectasia; Telangiectasia, hereditary hemorrhagic, type II. Identifiers: Orphanet 774, MedGen C1838163, MONDO:0010880, OMIM 600376. Disease mechanism: loss of function.

Submission:

Labcorp Genetics (formerly Invitae), Labcorp
Classification: Pathogenic for Hereditary hemorrhagic telangiectasia type 2. Last evaluated: 2019-11-15. Review status: criteria provided, single submitter. Criteria: Invitae Variant Classification Sherloc (09022015). Collection method: clinical testing. Allele origin: germline.
Comment: This variant is an in-frame deletion of the genomic region encompassing exons 3-8 of the ACVRL1 gene. It preserves the integrity of the reading frame. This variant has been observed to segregate with hereditary haemorraghic telangiectasia (HHT) in a family (PMID: 23653583) and detected in an unrelated individuals with HHT (PMID: 16690726, 20414677). This variant affects a cysteine residue located within the ACVRL1 protein ectodomain. Cysteine residues in this domain of ACVRL1 are involved in the formation of disulfide bridges critical for protein structure and stability (PMID: 22028876, 22718755, 22799562). In addition, missense substitutions within the ACVRL1 ectodomain affecting cysteine residues are overrepresented in patients with HHT (PMID: 20501893, 26176610 and an online resource). For these reasons, this variant has been classified as Pathogenic.

Literature cited by the submitters: PubMed 26176610; PubMed 20501893; PubMed 23653583; PubMed 16690726; PubMed 22718755; PubMed 22028876; PubMed 20414677; PubMed 22799562.